The following is an entry in ClinVar:

ClinVar aggregate classification (germline): Likely benign. Review status: criteria provided, multiple submitters, no conflicts (2 of 4 stars). 4 submissions from 4 submitters: Likely benign (3). 1 of the submissions does not count toward it. Last evaluated 2026-01-02.

Conditions:
PROC-related disorder. Also called: PROC-related condition.
Thrombophilia due to protein C deficiency, autosomal dominant. Also called: PROC DEFICIENCY, AUTOSOMAL DOMINANT; PROTEIN C DEFICIENCY, AUTOSOMAL DOMINANT. Identifiers: Orphanet 745, MedGen C2674321, MONDO:0008316, OMIM 176860. Disease mechanism: loss of function.

Allele frequency attached by ClinVar (database versions not stated): gnomAD exomes 0.00008 and 0.00013; ExAC 0.00044; ESP Exome Variant Server 0.00048; gnomAD 0.00068 and 0.00076; 1000 Genomes Project 30x 0.00078; 1000 Genomes Project 0.00080; TOPMed 0.00083.

Submissions (4):

Labcorp Genetics (formerly Invitae), Labcorp
Classification: Likely benign for Thrombophilia due to protein C deficiency, autosomal dominant. Last evaluated: 2026-01-02. Review status: criteria provided, single submitter. Criteria: Invitae Variant Classification Sherloc (09022015). Collection method: clinical testing. Allele origin: germline.

Mayo Clinic Laboratories, Mayo Clinic
Classification: Likely benign. Last evaluated: 2024-05-02. Review status: criteria provided, single submitter. Criteria: ACMG Guidelines, 2015. Collection method: clinical testing. Allele origin: germline. Observed: 2 variant alleles.
Comment: BS1, BP4, BP7

Blueprint Genetics
Classification: Likely benign. Last evaluated: 2019-04-10. Review status: criteria provided, single submitter. Criteria: ACMG Guidelines, 2015. Collection method: clinical testing. Allele origin: germline.

PreventionGenetics, part of Exact Sciences
Classification: Likely benign for PROC-related condition. Last evaluated: 2019-08-29. Review status: no assertion criteria provided. Collection method: clinical testing. Allele origin: germline. Not counted in ClinVar's aggregate classification.
Comment: This variant is classified as likely benign based on ACMG/AMP sequence variant interpretation guidelines (Richards et al. 2015 PMID: 25741868, with internal and published modifications).

NM_000312.4(PROC):c.462G>A (p.Glu154=)

Gene: PROC (protein C, inactivator of coagulation factors Va and VIIIa; plus strand). Cytogenetic location: 2q14.3.
Variant type: single nucleotide variant.
Coding change: c.462G>A on transcript NM_000312.4 (MANE Select); coding-DNA position 462, G replaced by A.
Protein change: p.Glu154=; no amino-acid change (glutamic acid 154 retained).
Molecular consequence: synonymous variant.
Genome position (GRCh38, 1-based): chr2:127,423,335, G>A. VCF-style: chr2-127423335-G-A. GRCh37 (hg19) VCF-style: chr2-128180911-G-A.
Other names: p.Glu154=; c.645G>A, p.Glu215= (NM_001375602.1); c.627G>A, p.Glu209= (NM_001375603.1); c.525G>A, p.Glu175= (NM_001375604.1); c.564G>A, p.Glu188= (NM_001375605.1); c.630G>A, p.Glu210= (NM_001375606.1); c.648G>A, p.Glu216= (NM_001375607.1); c.405G>A, p.Glu135= (NM_001375608.1); and 3 more.
Identifiers: ClinVar variation 695220 (VCV000695220.12), dbSNP rs201952795, ClinGen allele CA1859355.